The following is an entry in ClinVar:

ClinVar aggregate classification (germline): Uncertain significance. Review status: criteria provided, single submitter (1 of 4 stars). 2 submissions from 2 submitters: Uncertain significance (1). 1 of the submissions does not count toward it. Last evaluated 2025-05-20.

Conditions:
MRAP2-related disorder. Also called: MRAP2-related condition.

Allele frequency attached by ClinVar (database versions not stated): gnomAD exomes 0.00001; ExAC 0.00004; TOPMed 0.00007; gnomAD 0.00008; 1000 Genomes Project 30x 0.00016.

Submissions (2):

Labcorp Genetics (formerly Invitae), Labcorp
Classification: Uncertain significance. Last evaluated: 2025-05-20. Review status: criteria provided, single submitter. Criteria: Invitae Variant Classification Sherloc (09022015). Collection method: clinical testing. Allele origin: germline.
Comment: This sequence change replaces arginine, which is basic and polar, with histidine, which is basic and polar, at codon 106 of the MRAP2 protein (p.Arg106His). This variant is present in population databases (rs545003385, gnomAD 0.009%). This variant has not been reported in the literature in individuals affected with MRAP2-related conditions. ClinVar contains an entry for this variant (Variation ID: 3043691). An algorithm developed to predict the effect of missense changes on protein structure and function outputs the following: PolyPhen-2: "Benign". The histidine amino acid residue is found in multiple mammalian species, which suggests that this missense change does not adversely affect protein function. In summary, the available evidence is currently insufficient to determine the role of this variant in disease. Therefore, it has been classified as a Variant of Uncertain Significance.

PreventionGenetics, part of Exact Sciences
Classification: Uncertain significance for MRAP2-related condition. Last evaluated: 2024-01-16. Review status: no assertion criteria provided. Collection method: clinical testing. Allele origin: germline. Not counted in ClinVar's aggregate classification.
Comment: The MRAP2 c.317G>A variant is predicted to result in the amino acid substitution p.Arg106His. To our knowledge, this variant has not been reported in the literature. This variant is reported in 0.0085% of alleles in individuals of Latino descent in gnomAD. At this time, the clinical significance of this variant is uncertain due to the absence of conclusive functional and genetic evidence.

NM_138409.4(MRAP2):c.317G>A (p.Arg106His)

Gene: MRAP2 (melanocortin 2 receptor accessory protein 2; plus strand). Cytogenetic location: 6q14.2.
Variant type: single nucleotide variant.
Coding change: c.317G>A on transcript NM_138409.4 (MANE Select); coding-DNA position 317, G replaced by A.
Protein change: p.Arg106His; replaces arginine 106 with histidine.
Molecular consequence: missense variant.
Genome position (GRCh38, 1-based): chr6:84,089,180, G>A. VCF-style: chr6-84089180-G-A. GRCh37 (hg19) VCF-style: chr6-84798899-G-A.
Other names: c.59G>A, p.Arg20His (NM_001346541.2); c.317G>A, p.Arg106His (NM_001346542.2, NM_001346544.2); c.152G>A, p.Arg51His (NM_001346543.2); short protein forms R106H, R20H, R51H.
Identifiers: ClinVar variation 3043691 (VCV003043691.3), dbSNP rs545003385, ClinGen allele CA3909638.
Genomic context (GRCh38, chr6:84,089,180, plus strand): 5'-GAATGAACAGCTTTGTGTCAGACTTTGGAAGACCTCTGGAGCCAGATAAAGTATTTTCTC[G>A]CCAAGGCAACGAGGAGTCCAGGTCTCTCTTTCACTGCTACATCAATGAGGTGGAACGCTT-3'
Protein context (NP_612418.2, residues 96-116): RPLEPDKVFS[Arg106His]QGNEESRSLF